The following is an entry in ClinVar:

NM_007078.3(LDB3):c.93+165C>A

Gene: LDB3 (LIM domain binding 3; plus strand). Cytogenetic location: 10q23.2.
Variant type: single nucleotide variant.
Coding change: c.93+165C>A on transcript NM_007078.3 (MANE Select); 165 bases into the intron after coding-DNA position 93, C replaced by A.
Molecular consequence: intron variant.
Genome position (GRCh38, 1-based): chr10:86,668,949, C>A. VCF-style: chr10-86668949-C-A. GRCh37 (hg19) VCF-style: chr10-88428706-C-A.
Other names: c.93+165C>A (NM_001368064.1, NM_001368063.1, NM_001368068.1 and 8 more transcripts).
Identifiers: ClinVar variation 675368 (VCV000675368.1), dbSNP rs12259201, ClinGen allele CA13311109.

ClinVar aggregate classification (germline): Benign (1 of 4 stars; one submission).

Allele frequency attached by ClinVar (database versions not stated): TOPMed 0.04667; 1000 Genomes Project 0.05391; 1000 Genomes Project 30x 0.05606.
gnomAD v4.1: 6,599 of 152,282 alleles (4.3%); highest among the groups gnomAD compares: African/African-American, 15%; 431 homozygotes.

Submission:

GeneDx
Classification: Benign. Last evaluated: 2018-06-18. Review status: criteria provided, single submitter. Criteria: GeneDx Variant Classification (06012015). Collection method: clinical testing. Allele origin: germline. Affected: yes.
Comment: This variant is considered likely benign or benign based on one or more of the following criteria: it is a conservative change, it occurs at a poorly conserved position in the protein, it is predicted to be benign by multiple in silico algorithms, and/or has population frequency not consistent with disease.